The following is an entry in ClinVar:

ClinVar aggregate classification (germline): Uncertain significance. Review status: criteria provided, multiple submitters, no conflicts (2 of 4 stars). 2 submissions from 2 submitters: Uncertain significance (2). Last evaluated 2025-04-18.

Conditions:
RYR1-related disorder. Also called: RYR1-related condition; RYR1-related disorders. Identifiers: MedGen CN239331.

Allele frequency attached by ClinVar (database versions not stated): TOPMed below 0.00001.
gnomAD v4.1: 1 of 1,610,842 alleles (0.000062%); highest among the groups gnomAD compares: Non-Finnish European, 0.000085%; no homozygotes.

Submissions (2):

GeneDx
Classification: Uncertain significance. Last evaluated: 2025-04-18. Review status: criteria provided, single submitter. Criteria: GeneDx Variant Classification Process June 2021. Collection method: clinical testing. Allele origin: germline. Affected: yes.
Comment: Not observed at significant frequency in large population cohorts (gnomAD); In silico analysis supports that this missense variant has a deleterious effect on protein structure/function; Has not been previously published as pathogenic or benign to our knowledge

Labcorp Genetics (formerly Invitae), Labcorp
Classification: Uncertain significance for RYR1-related disorder. Last evaluated: 2021-08-31. Review status: criteria provided, single submitter. Criteria: Invitae Variant Classification Sherloc (09022015). Collection method: clinical testing. Allele origin: germline.
Comment: This sequence change replaces isoleucine with asparagine at codon 2614 of the RYR1 protein (p.Ile2614Asn). The isoleucine residue is moderately conserved and there is a large physicochemical difference between isoleucine and asparagine. This variant is not present in population databases (ExAC no frequency). This variant has not been reported in the literature in individuals affected with RYR1-related conditions. Algorithms developed to predict the effect of missense changes on protein structure and function are either unavailable or do not agree on the potential impact of this missense change (SIFT: "Deleterious"; PolyPhen-2: "Benign"; Align-GVGD: "Class C0"). In summary, the available evidence is currently insufficient to determine the role of this variant in disease. Therefore, it has been classified as a Variant of Uncertain Significance.

NM_000540.3(RYR1):c.7841T>A (p.Ile2614Asn)

Gene: RYR1 (ryanodine receptor 1; plus strand). Cytogenetic location: 19q13.2.
Variant type: single nucleotide variant.
Coding change: c.7841T>A on transcript NM_000540.3 (MANE Select); coding-DNA position 7841, T replaced by A.
Protein change: p.Ile2614Asn; replaces isoleucine 2614 with asparagine.
Molecular consequence: missense variant.
Genome position (GRCh38, 1-based): chr19:38,502,885, T>A. VCF-style: chr19-38502885-T-A. GRCh37 (hg19) VCF-style: chr19-38993525-T-A.
Other names: c.7841T>A (NM_000540.2); c.7841T>A, p.Ile2614Asn (NM_001042723.2); short protein forms I2614N.
Identifiers: ClinVar variation 1021732 (VCV001021732.5), dbSNP rs1274889477, ClinGen allele CA405673525.